The following is an entry in ClinVar:

NM_000059.4(BRCA2):c.4504C>T (p.Gln1502Ter)

Gene: BRCA2 (BRCA2 DNA repair associated; plus strand). Cytogenetic location: 13q13.1.
Variant type: single nucleotide variant.
Coding change: c.4504C>T on transcript NM_000059.4 (MANE Select); coding-DNA position 4504, C replaced by T.
Protein change: p.Gln1502Ter; replaces glutamine 1502 with a stop codon.
Molecular consequence: nonsense. On other transcripts: non-coding transcript variant (1), intron variant (2).
Genome position (GRCh38, 1-based): chr13:32,338,859, C>T. VCF-style: chr13-32338859-C-T. GRCh37 (hg19) VCF-style: chr13-32912996-C-T.
Other names: c.4504C>T, p.Gln1502Ter (NM_001406719.1, NM_001406720.1, NM_001432077.1); c.1909+5472C>T (NM_001406721.1); c.425-5699C>T (NM_001406722.1); short protein forms Q1502*.
Identifiers: ClinVar variation 4890763 (VCV004890763.1).

ClinVar aggregate classification (germline): Pathogenic (1 of 4 stars; one submission).

Conditions:
Breast-ovarian cancer, familial, susceptibility to, 2 (BROVCA2). Also called: BRCA2 Hereditary Breast and Ovarian Cancer. Identifiers: Orphanet 145, MedGen C2675520, MONDO:0012933, OMIM 612555. Disease mechanism: loss of function.

Submission:

Institute of Human Genetics, University of Leipzig Medical Center
Classification: Pathogenic for Breast-ovarian cancer, familial, susceptibility to, 2. Review status: criteria provided, single submitter. Criteria: ACMG Guidelines, 2015. Collection method: clinical testing. Allele origin: unknown. Inheritance: Autosomal dominant inheritance. Affected: yes.
Comment: Criteria applied: PVS1, PM2_SUP, PM5_STR(PTC)